The following is an entry in ClinVar:

NM_001374675.1(HSF4):c.7G>T (p.Glu3Ter)

Genes: HSF4 (heat shock transcription factor 4; plus strand), LOC125177334 (Sharpr-MPRA regulatory region 11796; plus strand). Cytogenetic location: 16q22.1.
Variant type: single nucleotide variant.
Coding change: c.7G>T on transcript NM_001374675.1 (MANE Select); coding-DNA position 7, G replaced by T.
Protein change: p.Glu3Ter; replaces glutamic acid 3 with a stop codon.
Molecular consequence: nonsense.
Genome position (GRCh38, 1-based): chr16:67,164,818, G>T. VCF-style: chr16-67164818-G-T. GRCh37 (hg19) VCF-style: chr16-67198721-G-T.
Other names: c.7G>T, p.Glu3Ter (NM_001040667.3, NM_001374674.1, NM_001538.4); short protein forms E3*.
Identifiers: ClinVar variation 2636293 (VCV002636293.1), dbSNP rs2031121154, ClinGen allele CA396261174.

ClinVar aggregate classification (germline): Likely pathogenic (1 of 4 stars; one submission).

Conditions:
HSF4-related disorder. Also called: HSF4-related condition.

Allele frequency attached by ClinVar (database versions not stated): TOPMed below 0.00001.

Submission:

PreventionGenetics, part of Exact Sciences
Classification: Likely pathogenic for HSF4-related condition. Last evaluated: 2022-09-01. Review status: criteria provided, single submitter. Criteria: ACMG Guidelines, 2015. Collection method: clinical testing. Allele origin: germline.
Comment: The HSF4 c.7G>T variant is predicted to result in premature protein termination (p.Glu3*). To our knowledge, this variant has not been reported in the literature or in a large population database, indicating this variant is rare. Nonsense variants in HSF4 are expected to be pathogenic. This variant is interpreted as likely pathogenic.